The following is an entry in ClinVar:

ClinVar aggregate classification (germline): Pathogenic (1 of 4 stars; one submission).

Conditions:
Complex neurodevelopmental disorder. Identifiers: Orphanet 528084, MedGen C5568766, MONDO:0100038.

Submission:

GeneDx
Classification: Pathogenic. Last evaluated: 2017-05-25. Review status: criteria provided, single submitter. Criteria: GeneDx Variant Classification (06012015). Collection method: clinical testing. Allele origin: germline. Affected: yes.
Comment: The c.705_707delTTTinsAC variant in the DYRK1A gene has not been reported previously as a pathogenic variant nor as a benign variant, to our knowledge. The c.705_707delTTTinsAC variant causes a frameshift, changing codon Cysteine 235 to a premature Stop codon, denoted p.Cys235Ter. This variant is predicted to cause loss of normal protein function either through protein truncation or nonsense-mediated mRNA decay. The c.705_707delTTTinsAC variant is not observed in large population cohorts (Lek et al., 2016; 1000 Genomes Consortium et al., 2015; Exome Variant Server). We interpret c.705_707delTTTinsAC as a pathogenic variant.

NM_001347721.2(DYRK1A):c.678_680delinsAC (p.Cys226_Leu227delinsTer)

Gene: DYRK1A (dual specificity tyrosine phosphorylation regulated kinase 1A; plus strand). Cytogenetic location: 21q22.13.
Variant type: Indel.
Coding change: c.678_680delinsAC on transcript NM_001347721.2 (MANE Select); coding-DNA positions 678 to 680, TTT replaced by AC.
Protein change: p.Cys226_Leu227delinsTer.
Molecular consequence: nonsense.
Genome position (GRCh38, 1-based): chr21:37,490,215-37,490,217, TTT replaced by AC. VCF-style: chr21-37490215-TTT-AC. GRCh37 (hg19) VCF-style: chr21-38862517-TTT-AC.
Other names: c.678_680delinsAC, p.Cys226_Leu227delinsTer (NM_001347722.2, NM_130436.2); c.591_593delinsAC, p.Cys197_Leu198delinsTer (NM_001347723.2); c.705_707delinsAC, p.Cys235_Leu236delinsTer (NM_001396.5, NM_101395.2, NM_130438.2).
Identifiers: ClinVar variation 430402 (VCV000430402.4), dbSNP rs1131691946, ClinGen allele CA645369792.